The following is an entry in ClinVar:

NM_001134363.3(RBM20):c.3382C>G (p.Leu1128Val)

Gene: RBM20 (RNA binding motif protein 20; plus strand). Cytogenetic location: 10q25.2.
Variant type: single nucleotide variant.
Coding change: c.3382C>G on transcript NM_001134363.3 (MANE Select); coding-DNA position 3382, C replaced by G.
Protein change: p.Leu1128Val; replaces leucine 1128 with valine.
Molecular consequence: missense variant.
Genome position (GRCh38, 1-based): chr10:110,823,545, C>G. VCF-style: chr10-110823545-C-G. GRCh37 (hg19) VCF-style: chr10-112583303-C-G.
Other names: short protein forms L1128V.
Identifiers: ClinVar variation 1962233 (VCV001962233.5), dbSNP rs1844944561, ClinGen allele CA378383859.
Genomic context (GRCh38, chr10:110,823,545, plus strand): 5'-TCCAGGTACGTGGAAATGAAATCTCTGGAGGTGAGGTCACCAGAGTACACTGAAGTGGAA[C>G]TGAAACAGCCCCTTTCTTTGCCCTCTTGGGAACCAGAGGATGTGTTCAGTGAACTTAGCA-3'
Protein context (NP_001127835.2, residues 1118-1138): VRSPEYTEVE[Leu1128Val]KQPLSLPSWE

ClinVar aggregate classification (germline): Uncertain significance (1 of 4 stars; one submission).

Conditions:
Dilated cardiomyopathy 1DD (CMD1DD). Identifiers: Orphanet 154, MedGen C2750995, MONDO:0013168, OMIM 613172.

Allele frequency attached by ClinVar (database versions not stated): gnomAD 0.00001.
gnomAD v4.1: 1 of 1,540,852 alleles (0.000065%); highest among the groups gnomAD compares: African/African-American, 0.0014%; no homozygotes.

Submission:

Labcorp Genetics (formerly Invitae), Labcorp
Classification: Uncertain significance for Dilated cardiomyopathy 1DD. Last evaluated: 2025-10-25. Review status: criteria provided, single submitter. Criteria: Invitae Variant Classification Sherloc (09022015). Collection method: clinical testing. Allele origin: germline.
Comment: This sequence change replaces leucine, which is neutral and non-polar, with valine, which is neutral and non-polar, at codon 1128 of the RBM20 protein (p.Leu1128Val). This variant is not present in population databases (gnomAD no frequency). This variant has not been reported in the literature in individuals affected with RBM20-related conditions. ClinVar contains an entry for this variant (Variation ID: 1962233). Invitae Evidence Modeling of protein sequence and biophysical properties (such as structural, functional, and spatial information, amino acid conservation, physicochemical variation, residue mobility, and thermodynamic stability) indicates that this missense variant is not expected to disrupt RBM20 protein function with a negative predictive value of 95%. In summary, the available evidence is currently insufficient to determine the role of this variant in disease. Therefore, it has been classified as a Variant of Uncertain Significance.